The following is an entry in ClinVar:

ClinVar aggregate classification (germline): Uncertain significance (1 of 4 stars; one submission).

Conditions:
Developmental and epileptic encephalopathy, 1 (DEE1). Also called: X-linked infantile spasms; West's syndrome; Tonic spasms with clustering, arrest of psychomotor development and hypsarrhythmia on EEG; X-Linked Infantile Spasm Syndrome; OHTAHARA SYNDROME, X-LINKED; INFANTILE SPASM SYNDROME, X-LINKED 1. Identifiers: MedGen C3463992, MONDO:0010632, OMIM 308350. Disease mechanism: loss of function.
Autosomal recessive spinocerebellar ataxia 12. Also called: SPINOCEREBELLAR ATAXIA WITH MENTAL RETARDATION AND EPILEPSY. Identifiers: Orphanet 284282, MedGen C3280452, MONDO:0013687, OMIM 614322.

Submission:

Labcorp Genetics (formerly Invitae), Labcorp
Classification: Uncertain significance for Developmental and epileptic encephalopathy, 1; Autosomal recessive spinocerebellar ataxia 12. Last evaluated: 2022-09-27. Review status: criteria provided, single submitter. Criteria: Invitae Variant Classification Sherloc (09022015). Collection method: clinical testing. Allele origin: germline.
Comment: In summary, the available evidence is currently insufficient to determine the role of this variant in disease. Therefore, it has been classified as a Variant of Uncertain Significance. Algorithms developed to predict the effect of sequence changes on RNA splicing suggest that this variant may disrupt the consensus splice site. Algorithms developed to predict the effect of missense changes on protein structure and function are either unavailable or do not agree on the potential impact of this missense change (SIFT: "Not Available"; PolyPhen-2: "Benign"; Align-GVGD: "Not Available"). This variant has not been reported in the literature in individuals affected with WWOX-related conditions. This variant is not present in population databases (gnomAD no frequency). This sequence change replaces glutamine, which is neutral and polar, with histidine, which is basic and polar, at codon 353 of the WWOX protein (p.Gln353His).

NM_016373.4(WWOX):c.1059A>C (p.Gln353His)

Genes: MAF (MAF bZIP transcription factor; minus strand), WWOX (WW domain containing oxidoreductase; plus strand). Cytogenetic location: 16q23.2.
Variant type: single nucleotide variant.
Coding change: c.1059A>C on transcript NM_016373.4 (MANE Select); coding-DNA position 1059, A replaced by C.
Protein change: p.Gln353His; replaces glutamine 353 with histidine.
Molecular consequence: missense variant.
Genome position (GRCh38, 1-based): chr16:79,211,610, A>C. VCF-style: chr16-79211610-A-C. GRCh37 (hg19) VCF-style: chr16-79245507-A-C.
Other names: c.720A>C, p.Gln240His (NM_001291997.2); short protein forms Q353H, Q240H.
Identifiers: ClinVar variation 2022047 (VCV002022047.4), dbSNP rs1459368049, ClinGen allele CA396536923.
Genomic context (GRCh38, chr16:79,211,610, plus strand): 5'-GCCATCTCATCACTCCTTTTCTTAAAATTTTTTTTTGTCTTTCTTCTTGGATTTCCAGCA[A>C]CAGGGAGCTGCCACCACCGTGTACTGTGCTGCTGTCCCAGAACTGGAGGGTCTGGGAGGG-3'
Protein context (NP_057457.1, residues 343-363): TLARPFTKSM[Gln353His]QGAATTVYCA